The following is an entry in ClinVar:

ClinVar aggregate classification (germline): Uncertain significance. Review status: criteria provided, single submitter (1 of 4 stars). 2 submissions from 2 submitters: Uncertain significance (1). 1 of the submissions does not count toward it. Last evaluated 2023-07-26.

Conditions:
Autosomal dominant Parkinson disease 8. Also called: LRRK2-Related Parkinson Disease; Parkinson disease 8; Parkinson disease 8, susceptibility to. Identifiers: Orphanet 411602, MedGen C1846862, MONDO:0011764, OMIM 607060.

Allele frequency attached by ClinVar (database versions not stated): gnomAD exomes below 0.00001; TOPMed below 0.00001; ExAC 0.00001.
gnomAD v4.1: 6 of 1,613,544 alleles (0.00037%); highest among the groups gnomAD compares: African/African-American, 0.0013%; no homozygotes.

Submissions (2):

Labcorp Genetics (formerly Invitae), Labcorp
Classification: Uncertain significance for Autosomal dominant Parkinson disease 8. Last evaluated: 2023-07-26. Review status: criteria provided, single submitter. Criteria: Invitae Variant Classification Sherloc (09022015). Collection method: clinical testing. Allele origin: germline.
Comment: Advanced modeling of protein sequence and biophysical properties (such as structural, functional, and spatial information, amino acid conservation, physicochemical variation, residue mobility, and thermodynamic stability) performed at Invitae indicates that this missense variant is not expected to disrupt LRRK2 protein function. ClinVar contains an entry for this variant (Variation ID: 39158). This missense change has been observed in individual(s) with Parkinson disease (PMID: 17523199, 21885347). Experimental studies have shown that this missense change does not substantially affect LRRK2 function (PMID: 20642453, 35950872). In summary, the available evidence is currently insufficient to determine the role of this variant in disease. Therefore, it has been classified as a Variant of Uncertain Significance. This sequence change replaces serine, which is neutral and polar, with asparagine, which is neutral and polar, at codon 973 of the LRRK2 protein (p.Ser973Asn). This variant is present in population databases (rs75148313, gnomAD 0.0009%).

GeneReviews
No classification provided. Condition: Autosomal dominant Parkinson disease 8. Review status: no classification provided. Collection method: literature only. Allele origin: unknown. Not counted in ClinVar's aggregate classification.

Literature cited by the submitters: PubMed 17523199 (cited by Labcorp Genetics (formerly Invitae), Labcorp); PubMed 21885347 (cited by Labcorp Genetics (formerly Invitae), Labcorp); PubMed 20642453 (cited by Labcorp Genetics (formerly Invitae), Labcorp); PubMed 35950872 (cited by Labcorp Genetics (formerly Invitae), Labcorp); PubMed 20301387 (cited by GeneReviews); NCBI Bookshelf NBK1208 (cited by GeneReviews).

NM_198578.4(LRRK2):c.2918G>A (p.Ser973Asn)

Gene: LRRK2 (leucine rich repeat kinase 2; plus strand). Cytogenetic location: 12q12.
Variant type: single nucleotide variant.
Coding change: c.2918G>A on transcript NM_198578.4 (MANE Select); coding-DNA position 2918, G replaced by A.
Protein change: p.Ser973Asn; replaces serine 973 with asparagine.
Molecular consequence: missense variant.
Genome position (GRCh38, 1-based): chr12:40,295,466, G>A. VCF-style: chr12-40295466-G-A. GRCh37 (hg19) VCF-style: chr12-40689268-G-A.
Other names: short protein forms S973N.
Identifiers: ClinVar variation 39158 (VCV000039158.6), dbSNP rs75148313, ClinGen allele CA343527.